The following is an entry in ClinVar:

NM_001846.4(COL4A2):c.3712C>T (p.Pro1238Ser)

Gene: COL4A2 (collagen type IV alpha 2 chain; plus strand). Cytogenetic location: 13q34.
Variant type: single nucleotide variant.
Coding change: c.3712C>T on transcript NM_001846.4 (MANE Select); coding-DNA position 3712, C replaced by T.
Protein change: p.Pro1238Ser; replaces proline 1238 with serine.
Molecular consequence: missense variant.
Genome position (GRCh38, 1-based): chr13:110,495,419, C>T. VCF-style: chr13-110495419-C-T. GRCh37 (hg19) VCF-style: chr13-111147766-C-T.
Other names: short protein forms P1238S.
Identifiers: ClinVar variation 2864527 (VCV002864527.3), dbSNP rs375198480, ClinGen allele CA388733612.

ClinVar aggregate classification (germline): Uncertain significance (1 of 4 stars; one submission).

gnomAD v4.1: 1 of 1,614,074 alleles (0.000062%); highest among the groups gnomAD compares: South Asian, 0.0011%; no homozygotes.

Submission:

Labcorp Genetics (formerly Invitae), Labcorp
Classification: Uncertain significance. Last evaluated: 2023-05-16. Review status: criteria provided, single submitter. Criteria: Invitae Variant Classification Sherloc (09022015). Collection method: clinical testing. Allele origin: germline.
Comment: In summary, the available evidence is currently insufficient to determine the role of this variant in disease. Therefore, it has been classified as a Variant of Uncertain Significance. Advanced modeling of protein sequence and biophysical properties (such as structural, functional, and spatial information, amino acid conservation, physicochemical variation, residue mobility, and thermodynamic stability) performed at Invitae indicates that this missense variant is not expected to disrupt COL4A2 protein function. This variant has not been reported in the literature in individuals affected with COL4A2-related conditions. This variant is not present in population databases (gnomAD no frequency). This sequence change replaces proline, which is neutral and non-polar, with serine, which is neutral and polar, at codon 1238 of the COL4A2 protein (p.Pro1238Ser).